The following is an entry in ClinVar:

NM_001367561.1(DOCK7):c.3829T>G (p.Tyr1277Asp)

Gene: DOCK7 (dedicator of cytokinesis 7; minus strand). Cytogenetic location: 1p31.3.
Variant type: single nucleotide variant.
Coding change: c.3829T>G on transcript NM_001367561.1 (MANE Select); coding-DNA position 3829, T replaced by G.
Protein change: p.Tyr1277Asp; replaces tyrosine 1277 with aspartic acid.
Molecular consequence: missense variant.
Genome position (GRCh38, 1-based): chr1:62,528,258, A>C on the plus strand (T>G on the coding strand, the complement: DOCK7 is on the minus strand). VCF-style: chr1-62528258-A-C. GRCh37 (hg19) VCF-style: chr1-62993929-A-C.
Other names: c.3829T>G, p.Tyr1277Asp (NM_001271999.2, NM_001330614.2); c.3736T>G, p.Tyr1246Asp (NM_001272000.2, NM_001272001.2, NM_033407.4); short protein forms Y1246D, Y1277D.
Identifiers: ClinVar variation 2067141 (VCV002067141.4), dbSNP rs1404535258, ClinGen allele CA340600037.

ClinVar aggregate classification (germline): Uncertain significance (1 of 4 stars; one submission).

Conditions:
Developmental and epileptic encephalopathy, 23 (DEE23). Also called: Epileptic encephalopathy, early infantile, 23. Identifiers: Orphanet 411986, MedGen C4014492, MONDO:0014371, OMIM 615859.

Allele frequency attached by ClinVar (database versions not stated): gnomAD exomes below 0.00001.
gnomAD v4.1: 2 of 1,613,668 alleles (0.00012%); highest among the groups gnomAD compares: Admixed American, 0.0033%; no homozygotes.

Submission:

Labcorp Genetics (formerly Invitae), Labcorp
Classification: Uncertain significance for Developmental and epileptic encephalopathy, 23. Last evaluated: 2022-11-01. Review status: criteria provided, single submitter. Criteria: Invitae Variant Classification Sherloc (09022015). Collection method: clinical testing. Allele origin: germline.
Comment: This variant is present in population databases (no rsID available, gnomAD 0.006%). This sequence change replaces tyrosine, which is neutral and polar, with aspartic acid, which is acidic and polar, at codon 1277 of the DOCK7 protein (p.Tyr1277Asp). In summary, the available evidence is currently insufficient to determine the role of this variant in disease. Therefore, it has been classified as a Variant of Uncertain Significance. Advanced modeling of protein sequence and biophysical properties (such as structural, functional, and spatial information, amino acid conservation, physicochemical variation, residue mobility, and thermodynamic stability) performed at Invitae indicates that this missense variant is not expected to disrupt DOCK7 protein function. This variant has not been reported in the literature in individuals affected with DOCK7-related conditions.